The following is an entry in ClinVar:

ClinVar aggregate classification (germline): Likely benign. Review status: criteria provided, multiple submitters, no conflicts (2 of 4 stars). 4 submissions from 4 submitters: Likely benign (4). Last evaluated 2025-04-09.

Conditions:
Dilated cardiomyopathy 1G (CMD1G). Identifiers: Orphanet 154, MedGen C1858763, MONDO:0011400, OMIM 604145.
Autosomal recessive limb-girdle muscular dystrophy type 2J (LGMDR10). Also called: MUSCULAR DYSTROPHY, LIMB-GIRDLE, AUTOSOMAL RECESSIVE 10; Limb-girdle muscular dystrophy, type 2J. Identifiers: Orphanet 140922, MedGen C1837342, MONDO:0012127, OMIM 608807.
Cardiovascular phenotype. Identifiers: MedGen CN230736.

Allele frequency attached by ClinVar (database versions not stated): gnomAD exomes below 0.00001 and 0.00001; ExAC 0.00001.
gnomAD v4.1: 7 of 1,613,024 alleles (0.00043%); highest among the groups gnomAD compares: Admixed American, 0.0033%; no homozygotes.

Submissions (4):

Molecular Diagnostic Laboratory for Inherited Cardiovascular Disease, Montreal Heart Institute
Classification: Likely benign. Last evaluated: 2025-04-09. Review status: criteria provided, single submitter. Criteria: ACMG Guidelines, 2015. Collection method: clinical testing. Allele origin: germline. Affected: no.

Labcorp Genetics (formerly Invitae), Labcorp
Classification: Likely benign for Dilated cardiomyopathy 1G; Autosomal recessive limb-girdle muscular dystrophy type 2J. Last evaluated: 2025-02-16. Review status: criteria provided, single submitter. Criteria: Invitae Variant Classification Sherloc (09022015). Collection method: clinical testing. Allele origin: germline.

Ambry Genetics
Classification: Likely benign for Cardiovascular phenotype. Last evaluated: 2023-09-08. Review status: criteria provided, single submitter. Criteria: Ambry Variant Classification Scheme 2023. Collection method: clinical testing. Allele origin: germline.

CeGaT Center for Human Genetics Tuebingen
Classification: Likely benign. Last evaluated: 2022-12-01. Review status: criteria provided, single submitter. Criteria: CeGaT Center For Human Genetics Tuebingen Variant Classification Criteria Version 2. Collection method: clinical testing. Allele origin: germline. Affected: yes. Observed: 2 variant alleles.
Comment: TTN: BP4, BP7

NM_001267550.2(TTN):c.76431C>T (p.Tyr25477=)

Genes: TTN (titin; minus strand), TTN-AS1 (TTN antisense RNA 1; plus strand). Cytogenetic location: 2q31.2.
Variant type: single nucleotide variant.
Coding change: c.76431C>T on transcript NM_001267550.2 (MANE Select); coding-DNA position 76431, C replaced by T.
Protein change: p.Tyr25477=; no amino-acid change (tyrosine 25477 retained).
Molecular consequence: synonymous variant.
Genome position (GRCh38, 1-based): chr2:178,569,701, G>A on the plus strand (C>T on the coding strand, the complement: TTN is on the minus strand). VCF-style: chr2-178569701-G-A. GRCh37 (hg19) VCF-style: chr2-179434428-G-A.
Other names: c.71508C>T, p.Tyr23836= (NM_001256850.1); c.49236C>T, p.Tyr16412= (NM_003319.4); c.68727C>T, p.Tyr22909= (NM_133378.4); c.49611C>T, p.Tyr16537= (NM_133432.3); c.49812C>T, p.Tyr16604= (NM_133437.4).
Identifiers: ClinVar variation 760130 (VCV000760130.35), dbSNP rs755746437, ClinGen allele CA1989912.